The following is an entry in ClinVar:

ClinVar aggregate classification (germline): Uncertain significance. Review status: criteria provided, multiple submitters, no conflicts (2 of 4 stars). 4 submissions from 4 submitters: Uncertain significance (4). Last evaluated 2025-10-01.

Conditions:
Hereditary pancreatitis (PCTT). Also called: Hereditary chronic pancreatitis; PRSS1-Related Hereditary Pancreatitis. Identifiers: Orphanet 676, MedGen C0238339, MONDO:0008185, OMIM 167800.

Allele frequency attached by ClinVar (database versions not stated): gnomAD 0.00005; gnomAD exomes 0.00006 and 0.00011; TOPMed 0.00006; ESP Exome Variant Server 0.00008; ExAC 0.00014.
gnomAD v4.1: 159 of 1,585,500 alleles (0.01%); highest among the groups gnomAD compares: Non-Finnish European, 0.013%; no homozygotes.

Submissions (5):

Labcorp Genetics (formerly Invitae), Labcorp
Classification: Uncertain significance for Hereditary pancreatitis. Last evaluated: 2025-10-01. Review status: criteria provided, single submitter. Criteria: Invitae Variant Classification Sherloc (09022015). Collection method: clinical testing. Allele origin: germline.
Comment: This sequence change replaces glycine, which is neutral and non-polar, with arginine, which is basic and polar, at codon 18 of the CTRC protein (p.Gly18Arg). This variant is present in population databases (rs200576965, gnomAD 0.01%). This missense change has been observed in individual(s) with pancreatitis (PMID: 22942235, 25251442). ClinVar contains an entry for this variant (Variation ID: 582232). Invitae Evidence Modeling of protein sequence and biophysical properties (such as structural, functional, and spatial information, amino acid conservation, physicochemical variation, residue mobility, and thermodynamic stability) indicates that this missense variant is expected to disrupt CTRC protein function with a positive predictive value of 95%. Experimental studies are conflicting or provide insufficient evidence to determine the effect of this variant on CTRC function (PMID: 22942235). In summary, the available evidence is currently insufficient to determine the role of this variant in disease. Therefore, it has been classified as a Variant of Uncertain Significance.

ARUP Laboratories, Molecular Genetics and Genomics, ARUP Laboratories
Classification: Uncertain significance for Hereditary pancreatitis. Last evaluated: 2024-05-22. Review status: criteria provided, single submitter. Criteria: ARUP Molecular Germline Variant Investigation Process 2024. Collection method: clinical testing. Allele origin: germline.
Comment: The CTRC c.52G>A; p.Gly18Arg variant (rs200576965) is reported in the literature in several heterozygous individuals affected with pancreatitis (Ballard 2015, Beer 2013). This variant is reported in ClinVar (Variation ID: 582232) and is found in the non-Finnish European population with an allele frequency of 0.011% (14/124118 alleles) in the Genome Aggregation Database (v2.1.1). Computational analyses predict that this variant is deleterious (REVEL: 0.852). Functional analyses of the variant protein show no change to protein levels or activity compared to wildtype under normal conditions, but reduced activity in the presence of trypsin (Beer 2013). Due to limited information, the clinical significance of the p.Gly18Arg variant is uncertain at this time. References: Ballard DD et al. Evaluating Adults With Idiopathic Pancreatitis for Genetic Predisposition: Higher Prevalence of Abnormal Results With Use of Complete Gene Sequencing. Pancreas. 2015;44(1):116-121. PMID: 25251442. Beer S et al. Comprehensive functional analysis of chymotrypsin C (CTRC) variants reveals distinct loss-of-function mechanisms associated with pancreatitis risk. Gut. 2013;62(11):1616-1624. PMID: 22942235.

Ambry Genetics
Classification: Uncertain significance for Hereditary pancreatitis. Last evaluated: 2024-05-16. Review status: criteria provided, single submitter. Criteria: Ambry Variant Classification Scheme 2023. Collection method: clinical testing. Allele origin: germline.
Comment: The p.G18R variant (also known as c.52G>A), located in coding exon 2 of the CTRC gene, results from a G to A substitution at nucleotide position 52. The glycine at codon 18 is replaced by arginine, an amino acid with dissimilar properties. In HEK293 cells, this variant demonstrated similar enzyme kinetics to wild type, but showed approximately 20% loss in activity in the presence of trypsin (Beer S et al. Gut, 2013 Nov;62:1616-24). This amino acid position is highly conserved in available vertebrate species. In addition, this alteration is predicted to be deleterious by in silico analysis. Based on the available evidence, the clinical significance of this variant remains unclear.

Illumina Laboratory Services, Illumina
Classification: Uncertain significance for Hereditary pancreatitis. Last evaluated: 2017-05-30. Review status: criteria provided, single submitter. Criteria: ICSL Variant Classification Criteria 13 December 2019. Collection method: clinical testing. Allele origin: germline.
Comment: This variant was observed as part of a predisposition screen in an ostensibly healthy population. A literature search was performed for the gene, cDNA change, and amino acid change (where applicable). Publications were found based on this search. However, the evidence from the literature, in combination with allele frequency data from public databases where available, was not sufficient to rule this variant in or out of causing disease. Therefore, this variant is classified as a variant of unknown significance.

Dr. Peter K. Rogan Lab, Western University
No classification provided (evidence only). Condition: Thyroid cancer, nonmedullary, 1. Review status: no classification provided. Collection method: in vitro. Allele origin: not applicable. Functional consequence: retained intron. Not counted in ClinVar's aggregate classification.

Literature cited by the submitters: PubMed 22942235 (cited by 3 submitters); PubMed 25251442 (cited by Labcorp Genetics (formerly Invitae), Labcorp and Illumina Laboratory Services, Illumina).

NM_007272.3(CTRC):c.52G>A (p.Gly18Arg)

Gene: CTRC (chymotrypsin C; plus strand). Cytogenetic location: 1p36.21.
Variant type: single nucleotide variant.
Coding change: c.52G>A on transcript NM_007272.3 (MANE Select); coding-DNA position 52, G replaced by A.
Protein change: p.Gly18Arg; replaces glycine 18 with arginine.
Molecular consequence: missense variant.
Genome position (GRCh38, 1-based): chr1:15,440,311, G>A. VCF-style: chr1-15440311-G-A. GRCh37 (hg19) VCF-style: chr1-15766807-G-A.
Other names: short protein forms G18R.
Identifiers: ClinVar variation 582232 (VCV000582232.21), dbSNP rs200576965, ClinGen allele CA613202.